The following is an entry in ClinVar:

ClinVar aggregate classification (germline): Conflicting classifications of pathogenicity. Review status: criteria provided, conflicting classifications (1 of 4 stars). 2 submissions from 2 submitters: Uncertain significance (1); Likely benign (1). Last evaluated 2024-10-22.

Conditions:
CREBBP-related disorder. Also called: CREBBP-related condition; CREBBP-related disorders.

Allele frequency attached by ClinVar (database versions not stated): gnomAD exomes 0.00001; gnomAD 0.00006.
gnomAD v4.1: 24 of 1,609,054 alleles (0.0015%); highest among the groups gnomAD compares: Middle Eastern, 0.017%; no homozygotes.

Submissions (2):

GeneDx
Classification: Likely benign. Last evaluated: 2024-10-22. Review status: criteria provided, single submitter. Criteria: GeneDx Variant Classification Process June 2021. Collection method: clinical testing. Allele origin: germline. Affected: yes.
Comment: See Variant Classification Assertion Criteria.

PreventionGenetics, part of Exact Sciences
Classification: Uncertain significance for CREBBP-related condition. Last evaluated: 2023-03-14. Review status: criteria provided, single submitter. Criteria: ACMG Guidelines, 2015. Collection method: clinical testing. Allele origin: germline.
Comment: The CREBBP c.6155G>A variant is predicted to result in the amino acid substitution p.Arg2052Gln. To our knowledge, this variant has not been reported in the literature. This variant is reported in 0.0016% of alleles in individuals of European (Non-Finnish) descent in gnomAD. At this time, the clinical significance of this variant is uncertain due to the absence of conclusive functional and genetic evidence.

NM_004380.3(CREBBP):c.6155G>A (p.Arg2052Gln)

Gene: CREBBP (CREB binding lysine acetyltransferase; minus strand). Cytogenetic location: 16p13.3.
Variant type: single nucleotide variant.
Coding change: c.6155G>A on transcript NM_004380.3 (MANE Select); coding-DNA position 6155, G replaced by A.
Protein change: p.Arg2052Gln; replaces arginine 2052 with glutamine.
Molecular consequence: missense variant.
Genome position (GRCh38, 1-based): chr16:3,728,892, C>T on the plus strand (G>A on the coding strand, the complement: CREBBP is on the minus strand). VCF-style: chr16-3728892-C-T. GRCh37 (hg19) VCF-style: chr16-3778893-C-T.
Other names: c.6041G>A, p.Arg2014Gln (NM_001079846.1); short protein forms R2014Q, R2052Q.
Identifiers: ClinVar variation 2631891 (VCV002631891.2), dbSNP rs748936007, ClinGen allele CA276971747.